The following is an entry in ClinVar:

NM_014975.3(MAST1):c.4528C>T (p.Pro1510Ser)

Gene: MAST1 (microtubule associated serine/threonine kinase 1; plus strand). Cytogenetic location: 19p13.13.
Variant type: single nucleotide variant.
Coding change: c.4528C>T on transcript NM_014975.3 (MANE Select); coding-DNA position 4528, C replaced by T.
Protein change: p.Pro1510Ser; replaces proline 1510 with serine.
Molecular consequence: missense variant.
Genome position (GRCh38, 1-based): chr19:12,874,685, C>T. VCF-style: chr19-12874685-C-T. GRCh37 (hg19) VCF-style: chr19-12985499-C-T.
Other names: short protein forms P1510S.
Identifiers: ClinVar variation 2457992 (VCV002457992.5), dbSNP rs571717462, ClinGen allele CA9233592.

ClinVar aggregate classification (germline): Uncertain significance. Review status: criteria provided, multiple submitters, no conflicts (2 of 4 stars). 2 submissions from 2 submitters: Uncertain significance (2). Last evaluated 2023-05-11.

Conditions:
Inborn genetic diseases. Identifiers: MedGen C0950123, MeSH D030342.

Allele frequency attached by ClinVar (database versions not stated): ExAC 0.00001; TOPMed 0.00002; gnomAD 0.00003.
gnomAD v4.1: 36 of 1,551,316 alleles (0.0023%); highest among the groups gnomAD compares: Non-Finnish European, 0.0028%; no homozygotes.

Submissions (2):

Labcorp Genetics (formerly Invitae), Labcorp
Classification: Uncertain significance. Last evaluated: 2023-05-11. Review status: criteria provided, single submitter. Criteria: Invitae Variant Classification Sherloc (09022015). Collection method: clinical testing. Allele origin: germline.
Comment: Algorithms developed to predict the effect of missense changes on protein structure and function output the following: SIFT: "Not Available"; PolyPhen-2: "Benign"; Align-GVGD: "Not Available". The serine amino acid residue is found in multiple mammalian species, which suggests that this missense change does not adversely affect protein function. ClinVar contains an entry for this variant (Variation ID: 2457992). This variant has not been reported in the literature in individuals affected with MAST1-related conditions. This variant is present in population databases (rs571717462, gnomAD 0.005%). This sequence change replaces proline, which is neutral and non-polar, with serine, which is neutral and polar, at codon 1510 of the MAST1 protein (p.Pro1510Ser). In summary, the available evidence is currently insufficient to determine the role of this variant in disease. Therefore, it has been classified as a Variant of Uncertain Significance.

Ambry Genetics
Classification: Uncertain significance for Inborn genetic diseases. Last evaluated: 2023-02-15. Review status: criteria provided, single submitter. Criteria: Ambry Variant Classification Scheme 2023. Collection method: clinical testing. Allele origin: germline.